The following is an entry in ClinVar:

ClinVar aggregate classification (germline): Benign/Likely benign. Review status: criteria provided, multiple submitters, no conflicts (2 of 4 stars). 8 submissions from 8 submitters: Benign (5); Likely benign (3). Last evaluated 2025-03-31.

Conditions:
Familial hemophagocytic lymphohistiocytosis 5. Also called: STXBP2-Related Familial Hemophagocytic Lymphohistiocytosis (STXBP2-fHLH). Identifiers: Orphanet 540, MedGen C2751293, MONDO:0013135, OMIM 613101.
Autoinflammatory syndrome. Identifiers: Orphanet 93665, MedGen C3890737, MONDO:0019751.

Allele frequency attached by ClinVar (database versions not stated): ExAC 0.00717; gnomAD 0.02269 and 0.02393; TOPMed 0.02413; ESP Exome Variant Server 0.02430; 1000 Genomes Project 0.02716; gnomAD exomes 0.00289 and 0.00606.
gnomAD v4.1: 6,899 of 1,344,010 alleles (0.51%); highest among the groups gnomAD compares: African/African-American, 8.2%; 202 homozygotes.

Submissions (8):

Labcorp Genetics (formerly Invitae), Labcorp
Classification: Benign for Familial hemophagocytic lymphohistiocytosis 5. Last evaluated: 2025-03-31. Review status: criteria provided, single submitter. Criteria: Invitae Variant Classification Sherloc (09022015). Collection method: clinical testing. Allele origin: germline.

Blueprint Genetics
Classification: Likely benign. Last evaluated: 2024-11-28. Review status: criteria provided, single submitter. Criteria: ACMG Guidelines, 2015. Collection method: clinical testing. Allele origin: germline.

Genome Diagnostics Laboratory, The Hospital for Sick Children
Classification: Benign for Autoinflammatory syndrome. Last evaluated: 2021-08-12. Review status: criteria provided, single submitter. Criteria: ACMG Guidelines, 2015. Collection method: clinical testing. Allele origin: germline. Affected: yes.

GeneDx
Classification: Benign. Last evaluated: 2020-06-10. Review status: criteria provided, single submitter. Criteria: GeneDx Variant Classification Process June 2021. Collection method: clinical testing. Allele origin: germline. Affected: yes.
Comment: This variant is associated with the following publications: (PMID: 27884173, 21881043)

Illumina Laboratory Services, Illumina
Classification: Likely benign for Familial hemophagocytic lymphohistiocytosis 5. Last evaluated: 2017-04-27. Review status: criteria provided, single submitter. Criteria: ICSL Variant Classification Criteria 13 December 2019. Collection method: clinical testing. Allele origin: germline.
Comment: This variant was observed as part of a predisposition screen in an ostensibly healthy population. A literature search was performed for the gene, cDNA change, and amino acid change (where applicable). Publications were found based on this search. The evidence from the literature, in combination with allele frequency data from public databases where available, was sufficient to determine this variant is unlikely to cause disease. Therefore, this variant is classified as likely benign.

Center for Pediatric Genomic Medicine, Children's Mercy Hospital and Clinics
Classification: Benign. Last evaluated: 2016-09-23. Review status: criteria provided, single submitter. Criteria: ACMG Guidelines, 2015. Collection method: clinical testing. Allele origin: germline.

Breakthrough Genomics
Classification: Likely benign. Review status: criteria provided, single submitter. Criteria: ACMG Guidelines, 2015. Collection method: not provided. Allele origin: germline. Inheritance: Autosomal recessive inheritance. Affected: yes.

PreventionGenetics, part of Exact Sciences
Classification: Benign. Review status: criteria provided, single submitter. Criteria: ACMG Guidelines, 2015. Collection method: clinical testing. Allele origin: germline.

Literature cited by the submitters: PubMed 21881043 (cited by Illumina Laboratory Services, Illumina).

NM_006949.4(STXBP2):c.*12G>A

Gene: STXBP2 (syntaxin binding protein 2; plus strand). Cytogenetic location: 19p13.2.
Variant type: single nucleotide variant.
Coding change: c.*12G>A on transcript NM_006949.4 (MANE Select); 12 bases downstream of the stop codon, G replaced by A.
Molecular consequence: 3 prime UTR variant. On other transcripts: non-coding transcript variant (1).
Genome position (GRCh38, 1-based): chr19:7,647,822, G>A. VCF-style: chr19-7647822-G-A. GRCh37 (hg19) VCF-style: chr19-7712708-G-A.
Other names: c.*12G>A (NM_001127396.3, NM_001272034.2).
Identifiers: ClinVar variation 260080 (VCV000260080.22), dbSNP rs28464386, ClinGen allele CA9144342.